The following is an entry in ClinVar:

NM_000302.4(PLOD1):c.1365C>G (p.Tyr455Ter)

Gene: PLOD1 (procollagen-lysine,2-oxoglutarate 5-dioxygenase 1; plus strand). Cytogenetic location: 1p36.22.
Variant type: single nucleotide variant.
Coding change: c.1365C>G on transcript NM_000302.4 (MANE Select); coding-DNA position 1365, C replaced by G.
Protein change: p.Tyr455Ter; replaces tyrosine 455 with a stop codon.
Molecular consequence: nonsense.
Genome position (GRCh38, 1-based): chr1:11,964,680, C>G. VCF-style: chr1-11964680-C-G. GRCh37 (hg19) VCF-style: chr1-12024737-C-G.
Other names: c.1506C>G, p.Tyr502Ter (NM_001316320.2); short protein forms Y455*, Y502*.
Identifiers: ClinVar variation 2108622 (VCV002108622.4), dbSNP rs184406592, ClinGen allele CA338443270.

ClinVar aggregate classification (germline): Pathogenic (1 of 4 stars; one submission).

Conditions:
Ehlers-Danlos syndrome, kyphoscoliotic type 1 (EDSKSCL1). Also called: EHLERS-DANLOS SYNDROME, TYPE VIA; EHLERS-DANLOS SYNDROME, OCULAR-SCOLIOTIC TYPE; PLOD1-Related Kyphoscoliotic Ehlers-Danlos Syndrome; Ehlers-Danlos syndrome, hydroxylysine-deficient. Identifiers: Orphanet 1900, MedGen C0268342, MONDO:0016002, OMIM 225400. Disease mechanism: loss of function.

Submission:

Labcorp Genetics (formerly Invitae), Labcorp
Classification: Pathogenic for Ehlers-Danlos syndrome, kyphoscoliotic type 1. Last evaluated: 2024-01-24. Review status: criteria provided, single submitter. Criteria: Invitae Variant Classification Sherloc (09022015). Collection method: clinical testing. Allele origin: germline.
Comment: This sequence change creates a premature translational stop signal (p.Tyr455*) in the PLOD1 gene. It is expected to result in an absent or disrupted protein product. Loss-of-function variants in PLOD1 are known to be pathogenic (PMID: 10874315, 21699693). This variant is not present in population databases (gnomAD no frequency). This variant has not been reported in the literature in individuals affected with PLOD1-related conditions. ClinVar contains an entry for this variant (Variation ID: 2108622). For these reasons, this variant has been classified as Pathogenic.

Literature cited by the submitters: PubMed 10874315; PubMed 21699693.